The following is an entry in ClinVar:

ClinVar aggregate classification (germline): Pathogenic/Likely pathogenic. Review status: criteria provided, multiple submitters, no conflicts (2 of 4 stars). 2 submissions from 2 submitters: Pathogenic (1); Likely pathogenic (1). Last evaluated 2025-01-21.

Submissions (2):

GeneDx
Classification: Pathogenic. Last evaluated: 2025-01-21. Review status: criteria provided, single submitter. Criteria: GeneDx Variant Classification Process June 2021. Collection method: clinical testing. Allele origin: germline. Affected: yes.
Comment: Not observed at significant frequency in large population cohorts (gnomAD); In silico analysis supports that this missense variant has a deleterious effect on protein structure/function; This variant is associated with the following publications: (PMID: 37883978)

Institute for Medical Genetics and Human Genetics, Charité - Universitätsmedizin Berlin
Classification: Likely pathogenic. Review status: criteria provided, single submitter. Criteria: ACMG Guidelines, 2015. Collection method: not provided. Allele origin: germline. Inheritance: Autosomal dominant inheritance. Affected: yes.

NM_007126.5(VCP):c.812G>A (p.Gly271Asp)

Gene: VCP (valosin containing protein; minus strand). Cytogenetic location: 9p13.3.
Variant type: single nucleotide variant.
Coding change: c.812G>A on transcript NM_007126.5 (MANE Select); coding-DNA position 812, G replaced by A.
Protein change: p.Gly271Asp; replaces glycine 271 with aspartic acid.
Molecular consequence: missense variant.
Genome position (GRCh38, 1-based): chr9:35,062,350, C>T on the plus strand (G>A on the coding strand, the complement: VCP is on the minus strand). VCF-style: chr9-35062350-C-T. GRCh37 (hg19) VCF-style: chr9-35062347-C-T.
Other names: c.677G>A, p.Gly226Asp (NM_001354927.2, NM_001354928.2); short protein forms G226D, G271D.
Identifiers: ClinVar variation 2429745 (VCV002429745.2), dbSNP rs1064796741, ClinGen allele CA373286265.
Genomic context (GRCh38, chr9:35,062,350, plus strand): 5'-TCAAAGGCTTTACGAAGGTTGCTCTCAGACTCACCAGCCAATTTGCTCATGATCTCAGGA[C>T]CTGAAAGGATACAGAATGGAGACAATAACAAAATGATAGTCTTTCCCAATTCCTCCCAAA-3'
Protein context (NP_009057.1, residues 261-281): ETGAFFFLIN[Gly271Asp]PEIMSKLAGE